The following is an entry in ClinVar:

ClinVar aggregate classification (germline): Uncertain significance (1 of 4 stars; one submission).

Submission:

Labcorp Genetics (formerly Invitae), Labcorp
Classification: Uncertain significance. Last evaluated: 2022-09-12. Review status: criteria provided, single submitter. Criteria: Invitae Variant Classification Sherloc (09022015). Collection method: clinical testing. Allele origin: germline.
Comment: ClinVar contains an entry for this variant (Variation ID: 1681314). In summary, the available evidence is currently insufficient to determine the role of this variant in disease. Therefore, it has been classified as a Variant of Uncertain Significance. Experimental studies and prediction algorithms are not available or were not evaluated, and the functional significance of this variant is currently unknown. This variant has not been reported in the literature in individuals affected with KIAA1161-related conditions. This variant is not present in population databases (gnomAD no frequency). This variant, c.714_719del, results in the deletion of 2 amino acid(s) of the KIAA1161 protein (p.Lys238_Val239del), but otherwise preserves the integrity of the reading frame.

NM_020702.5(MYORG):c.714_719del (p.Lys238_Val239del)

Gene: MYORG (myogenesis regulating glycosidase; minus strand). Cytogenetic location: 9p13.3.
Variant type: Deletion.
Coding change: c.714_719del on transcript NM_020702.5 (MANE Select); coding-DNA positions 714 to 719, 6 bases deleted (AGTCAA; older notation c.714_719delAGTCAA).
Protein change: p.Lys238_Val239del.
Molecular consequence: inframe deletion.
Genome position (GRCh38, 1-based): chr9:34,372,225-34,372,230, TTGACT deleted on the plus strand (AGTCAA on the coding strand, the reverse complement: MYORG is on the minus strand); deleting any 6 consecutive bases within chr9:34,372,225-34,372,234 gives the same sequence; the c. name uses the placement nearest the transcript's 3' end. VCF-style (leftmost placement, unchanged base first): chr9-34372224-ATTGACT-A. GRCh37 (hg19) VCF-style: chr9-34372222-ATTGACT-A.
Identifiers: ClinVar variation 1681314 (VCV001681314.6), dbSNP rs2131880449, ClinGen allele CA2573144563.